The following is an entry in ClinVar:

ClinVar aggregate classification (germline): Likely pathogenic (1 of 4 stars; one submission).

Conditions:
Angelman syndrome (AS). Also called: HAPPY PUPPET SYNDROME. Identifiers: Orphanet 72, MedGen C0162635, MONDO:0007113, OMIM 105830. Disease mechanism: loss of function. Inheritance: AS is caused by disruption of maternally imprinted UBE3A located within the 15q11.2-q13 Angelman syndrome/Prader-Willi syndrome (AS/PWS) region., imprinting disorder.

Submission:

Labcorp Genetics (formerly Invitae), Labcorp
Classification: Likely pathogenic for Angelman syndrome. Last evaluated: 2021-11-30. Review status: criteria provided, single submitter. Criteria: Invitae Variant Classification Sherloc (09022015). Collection method: clinical testing. Allele origin: germline.
Comment: This variant, c.2346_2354del, results in the deletion of 3 amino acid(s) of the UBE3A protein (p.Leu783_Phe785del), but otherwise preserves the integrity of the reading frame. This variant is not present in population databases (gnomAD no frequency). This variant has been observed in individual(s) with clinical features of UBE3A-related conditions (Invitae). In at least one individual the variant was observed to be de novo. ClinVar contains an entry for this variant (Variation ID: 458666). In summary, the currently available evidence indicates that the variant is pathogenic, but additional data are needed to prove that conclusively. Therefore, this variant has been classified as Likely Pathogenic.

NM_130839.5(UBE3A):c.2406_2414del (p.Leu803_Phe805del)

Genes: SNHG14 (small nucleolar RNA host gene 14; plus strand), UBE3A (ubiquitin protein ligase E3A; minus strand). Cytogenetic location: 15q11.2.
Variant type: Deletion.
Coding change: c.2406_2414del on transcript NM_130839.5 (MANE Select); coding-DNA positions 2406 to 2414, 9 bases deleted (CTTGCAGTT; older notation c.2406_2414delCTTGCAGTT).
Protein change: p.Leu803_Phe805del.
Molecular consequence: inframe deletion. On other transcripts: non-coding transcript variant (1).
Genome position (GRCh38, 1-based): chr15:25,340,169-25,340,177, AACTGCAAG deleted on the plus strand (CTTGCAGTT on the coding strand, the reverse complement: UBE3A is on the minus strand); deleting any 9 consecutive bases within chr15:25,340,169-25,340,179 gives the same sequence; the c. name uses the placement nearest the transcript's 3' end. VCF-style (leftmost placement, unchanged base first): chr15-25340168-AAACTGCAAG-A. GRCh37 (hg19) VCF-style: chr15-25585315-AAACTGCAAG-A.
Other names: c.2415_2423del, p.Leu806_Phe808del (NM_000462.5); c.2406_2414del, p.Leu803_Phe805del (NM_001354505.1, NM_001354538.2); c.2346_2354del, p.Leu783_Phe785del (NM_001354506.2, NM_001354507.2, NM_001354508.2 and 14 more transcripts); c.2250_2258del, p.Leu751_Phe753del (NM_001354545.2); c.2229_2237del, p.Leu744_Phe746del (NM_001354546.2); c.2190_2198del, p.Leu731_Phe733del (NM_001354547.2, NM_001354548.2); c.2181_2189del, p.Leu728_Phe730del (NM_001354549.2); c.1155_1163del, p.Leu386_Phe388del (NM_001354550.2); and 1 more.
Identifiers: ClinVar variation 458666 (VCV000458666.2), dbSNP rs1555380809, ClinGen allele CA658656460.